The following is an entry in ClinVar:

ClinVar aggregate classification (germline): Benign/Likely benign. Review status: criteria provided, multiple submitters, no conflicts (2 of 4 stars). 10 submissions from 10 submitters: Benign (7); Likely benign (3). Last evaluated 2026-07-01.

Conditions:
Cardiovascular phenotype. Identifiers: MedGen CN230736.
Brittle cornea syndrome 1 (BCS1). Also called: Corneal fragility keratoglobus, blue sclerae AND joint hypermobility; DYSGENESIS MESODERMALIS CORNEAE ET SCLERAE; FRAGILITAS OCULI WITH JOINT HYPEREXTENSIBILITY; CORNEAL FRAGILITY, KERATOGLOBUS, BLUE SCLERAE, JOINT HYPEREXTENSIBILITY; EDS6B. Identifiers: Orphanet 90354, MedGen C0268344, MONDO:0024543, OMIM 229200.
Ehlers-Danlos syndrome (EDS). Identifiers: Orphanet 98249, MedGen C0013720, MONDO:0020066.

Allele frequency attached by ClinVar (database versions not stated): 1000 Genomes Project 0.00280; 1000 Genomes Project 30x 0.00359; ExAC 0.00556; gnomAD 0.00760 and 0.00769; TOPMed 0.00821; gnomAD exomes 0.00835 and 0.00932.
gnomAD v4.1: 14,036 of 1,541,028 alleles (0.91%); highest among the groups gnomAD compares: Admixed American, 1.4%; 67 homozygotes.

Submissions (10):

CeGaT Center for Human Genetics Tuebingen
Classification: Benign. Last evaluated: 2026-07-01. Review status: criteria provided, single submitter. Criteria: CeGaT Center For Human Genetics Tuebingen Variant Classification Criteria Version 2. Collection method: clinical testing. Allele origin: germline. Affected: yes. Observed: 29 variant alleles.
Comment: ZNF469: BP4, BS1, BS2

Women's Health and Genetics/Laboratory Corporation of America, LabCorp
Classification: Likely benign. Last evaluated: 2026-03-30. Review status: criteria provided, single submitter. Criteria: LabCorp Variant Classification Summary - May 2015. Collection method: clinical testing. Allele origin: germline.

Labcorp Genetics (formerly Invitae), Labcorp
Classification: Benign. Last evaluated: 2026-02-03. Review status: criteria provided, single submitter. Criteria: Invitae Variant Classification Sherloc (09022015). Collection method: clinical testing. Allele origin: germline.

Blueprint Genetics
Classification: Likely benign. Last evaluated: 2024-11-26. Review status: criteria provided, single submitter. Criteria: ACMG Guidelines, 2015. Collection method: clinical testing. Allele origin: germline.

Mayo Clinic Laboratories, Mayo Clinic
Classification: Benign. Last evaluated: 2022-12-29. Review status: criteria provided, single submitter. Criteria: ACMG Guidelines, 2015. Collection method: clinical testing. Allele origin: germline. Observed: 71 variant alleles.
Comment: BS1, BS2, BP4

Genome Diagnostics Laboratory, The Hospital for Sick Children
Classification: Benign for Ehlers-Danlos syndrome. Last evaluated: 2022-04-14. Review status: criteria provided, single submitter. Criteria: ACMG Guidelines, 2015. Collection method: clinical testing. Allele origin: germline.

Fulgent Genetics
Classification: Benign for Brittle cornea syndrome 1. Last evaluated: 2021-07-15. Review status: criteria provided, single submitter. Criteria: ACMG Guidelines, 2015. Collection method: clinical testing. Allele origin: unknown.

Ambry Genetics
Classification: Benign for Cardiovascular phenotype. Last evaluated: 2019-01-09. Review status: criteria provided, single submitter. Criteria: Ambry Variant Classification Scheme 2023. Collection method: clinical testing. Allele origin: germline.

GeneDx
Classification: Benign. Last evaluated: 2017-12-26. Review status: criteria provided, single submitter. Criteria: GeneDx Variant Classification (06012015). Collection method: clinical testing. Allele origin: germline. Affected: yes.
Comment: This variant is considered likely benign or benign based on one or more of the following criteria: it is a conservative change, it occurs at a poorly conserved position in the protein, it is predicted to be benign by multiple in silico algorithms, and/or has population frequency not consistent with disease.

Eurofins Ntd Llc (ga)
Classification: Likely benign. Last evaluated: 2016-12-16. Review status: criteria provided, single submitter. Criteria: EGL Classification Definitions 2015. Collection method: clinical testing. Allele origin: germline. Observed: 1 variant allele, 1 heterozygote.

Literature cited by the submitters: PubMed 25564447 (cited by Mayo Clinic Laboratories, Mayo Clinic).

NM_001367624.2(ZNF469):c.10361G>A (p.Arg3454Gln)

Gene: ZNF469 (zinc finger protein 469; plus strand). Cytogenetic location: 16q24.2.
Variant type: single nucleotide variant.
Coding change: c.10361G>A on transcript NM_001367624.2 (MANE Select); coding-DNA position 10361, G replaced by A.
Protein change: p.Arg3454Gln; replaces arginine 3454 with glutamine.
Molecular consequence: missense variant.
Genome position (GRCh38, 1-based): chr16:88,437,831, G>A. VCF-style: chr16-88437831-G-A. GRCh37 (hg19) VCF-style: chr16-88504239-G-A.
Other names: NM_001127464.1:c.10277G>A; NM_001127464.2:c.10277G>A; p.Arg3454Gln; short protein forms R3454Q.
Identifiers: ClinVar variation 374522 (VCV000374522.63), dbSNP rs75288466, ClinGen allele CA8225509.